The following is an entry in ClinVar:

ClinVar aggregate classification (germline): Uncertain significance (1 of 4 stars; one submission).

Conditions:
Hereditary cancer-predisposing syndrome. Also called: Neoplastic Syndromes, Hereditary; Tumor predisposition; Hereditary neoplastic syndrome; Hereditary Cancer Syndrome. Identifiers: Orphanet 140162, MedGen C0027672, MeSH D009386, MONDO:0015356.
Cardiovascular phenotype. Identifiers: MedGen CN230736.

Allele frequency attached by ClinVar (database versions not stated): gnomAD exomes below 0.00001; TOPMed below 0.00001.
gnomAD v4.1: 1 of 1,614,096 alleles (0.000062%); highest among the groups gnomAD compares: African/African-American, 0.0013%; no homozygotes.

Submission:

Ambry Genetics
Classification: Uncertain significance for Cardiovascular phenotype; Hereditary cancer-predisposing syndrome. Last evaluated: 2023-06-10. Review status: criteria provided, single submitter. Criteria: Ambry Variant Classification Scheme 2023. Collection method: clinical testing. Allele origin: germline.
Comment: The p.G2478R variant (also known as c.7432G>C), located in coding exon 50 of the NF1 gene, results from a G to C substitution at nucleotide position 7432. The glycine at codon 2478 is replaced by arginine, an amino acid with dissimilar properties. This amino acid position is conserved. In addition, this alteration is predicted to be tolerated by in silico analysis. Since supporting evidence is limited at this time, the clinical significance of this alteration remains unclear.

NM_001042492.3(NF1):c.7495G>C (p.Gly2499Arg)

Gene: NF1 (neurofibromin 1; plus strand). Cytogenetic location: 17q11.2.
Variant type: single nucleotide variant.
Coding change: c.7495G>C on transcript NM_001042492.3 (MANE Select); coding-DNA position 7495, G replaced by C.
Protein change: p.Gly2499Arg; replaces glycine 2499 with arginine.
Molecular consequence: missense variant.
Genome position (GRCh38, 1-based): chr17:31,352,294, G>C. VCF-style: chr17-31352294-G-C. GRCh37 (hg19) VCF-style: chr17-29679312-G-C.
Other names: c.7432G>C, p.Gly2478Arg (NM_000267.4); short protein forms G2478R, G2499R.
Identifiers: ClinVar variation 3237940 (VCV003237940.1), dbSNP rs2070167833.